The following is an entry in ClinVar:

NM_006586.5(CNPY3):c.637G>A (p.Gly213Ser)

Genes: CNPY3 (canopy FGF signaling regulator 3; plus strand), CNPY3-GNMT (CNPY3-GNMT readthrough; plus strand). Cytogenetic location: 6p21.1.
Variant type: single nucleotide variant.
Coding change: c.637G>A on transcript NM_006586.5 (MANE Select); coding-DNA position 637, G replaced by A.
Protein change: p.Gly213Ser; replaces glycine 213 with serine.
Molecular consequence: missense variant. On other transcripts: non-coding transcript variant (4), intron variant (3).
Genome position (GRCh38, 1-based): chr6:42,938,591, G>A. VCF-style: chr6-42938591-G-A. GRCh37 (hg19) VCF-style: chr6-42906329-G-A.
Other names: c.736G>A, p.Gly246Ser (NM_001318842.1); c.370G>A, p.Gly124Ser (NM_001318845.1); c.8+8870G>A (NM_001318856.2); c.151+8870G>A (NM_001318857.2, NM_001318858.2); short protein forms G246S, G213S, G124S.
Identifiers: ClinVar variation 1032459 (VCV001032459.1), dbSNP rs375246952, ClinGen allele CA3810518.

ClinVar aggregate classification (germline): Uncertain significance (1 of 4 stars; one submission).

Conditions:
Developmental and epileptic encephalopathy, 60. Also called: EPILEPTIC ENCEPHALOPATHY, EARLY INFANTILE, 60. Identifiers: MedGen C4693663, MONDO:0033369, OMIM 617929.

Allele frequency attached by ClinVar (database versions not stated): gnomAD exomes 0.00002 and 0.00003; gnomAD 0.00003 and 0.00004; ESP Exome Variant Server 0.00008; TOPMed 0.00008; ExAC 0.00011; 1000 Genomes Project 30x 0.00016; 1000 Genomes Project 0.00020.

Submission:

Baylor Genetics
Classification: Uncertain significance for Developmental and epileptic encephalopathy, 60. Last evaluated: 2018-12-14. Review status: criteria provided, single submitter. Criteria: ACMG Guidelines, 2015. Collection method: clinical testing. Allele origin: paternal. Affected: yes.
Comment: This variant was determined to be of uncertain significance according to ACMG Guidelines, 2015 [PMID:25741868].